The following is an entry in ClinVar:

NM_002180.3(IGHMBP2):c.482G>T (p.Gly161Val)

Gene: IGHMBP2 (immunoglobulin mu DNA binding protein 2; plus strand). Cytogenetic location: 11q13.3.
Variant type: single nucleotide variant.
Coding change: c.482G>T on transcript NM_002180.3 (MANE Select); coding-DNA position 482, G replaced by T.
Protein change: p.Gly161Val; replaces glycine 161 with valine.
Molecular consequence: missense variant.
Genome position (GRCh38, 1-based): chr11:68,908,566, G>T. VCF-style: chr11-68908566-G-T. GRCh37 (hg19) VCF-style: chr11-68676034-G-T.
Other names: c.482G>T (NM_002180.2); short protein forms G161V.
Identifiers: ClinVar variation 1027079 (VCV001027079.7), dbSNP rs750539690, ClinGen allele CA6153307.

ClinVar aggregate classification (germline): Uncertain significance. Review status: criteria provided, multiple submitters, no conflicts (2 of 4 stars). 2 submissions from 2 submitters: Uncertain significance (2). Last evaluated 2024-02-17.

Conditions:
Inborn genetic diseases. Identifiers: MedGen C0950123, MeSH D030342.
Charcot-Marie-Tooth disease axonal type 2S. Also called: CHARCOT-MARIE-TOOTH NEUROPATHY, TYPE 2S; CHARCOT-MARIE-TOOTH DISEASE, AXONAL, AUTOSOMAL RECESSIVE, TYPE 2S. Identifiers: Orphanet 443073, MedGen C4015349, MONDO:0014511, OMIM 616155.
Autosomal recessive distal spinal muscular atrophy 1. Also called: HMN VI; NEURONOPATHY, SEVERE INFANTILE AXONAL, WITH RESPIRATORY FAILURE; SEVERE INFANTILE AXONAL NEUROPATHY WITH RESPIRATORY FAILURE; SPINAL MUSCULAR ATROPHY, DIAPHRAGMATIC; Spinal muscular atrophy with respiratory distress 1; NEURONOPATHY, DISTAL HEREDITARY MOTOR, HARDING TYPE VI. Identifiers: Orphanet 98920, MedGen C1858517, MONDO:0011436, OMIM 604320.

Allele frequency attached by ClinVar (database versions not stated): gnomAD exomes below 0.00001; ExAC 0.00001; gnomAD 0.00001; TOPMed 0.00001.
gnomAD v4.1: 4 of 1,613,856 alleles (0.00025%); highest among the groups gnomAD compares: East Asian, 0.0045%; no homozygotes.

Submissions (2):

Ambry Genetics
Classification: Uncertain significance for Inborn genetic diseases. Last evaluated: 2024-02-17. Review status: criteria provided, single submitter. Criteria: Ambry Variant Classification Scheme 2023. Collection method: clinical testing. Allele origin: germline.

Labcorp Genetics (formerly Invitae), Labcorp
Classification: Uncertain significance for Autosomal recessive distal spinal muscular atrophy 1; Charcot-Marie-Tooth disease axonal type 2S. Last evaluated: 2021-08-31. Review status: criteria provided, single submitter. Criteria: Invitae Variant Classification Sherloc (09022015). Collection method: clinical testing. Allele origin: germline.
Comment: This sequence change replaces glycine with valine at codon 161 of the IGHMBP2 protein (p.Gly161Val). The glycine residue is moderately conserved and there is a moderate physicochemical difference between glycine and valine. This variant is present in population databases (rs750539690, ExAC 0.01%). This variant has not been reported in the literature in individuals affected with IGHMBP2-related conditions. Algorithms developed to predict the effect of missense changes on protein structure and function are either unavailable or do not agree on the potential impact of this missense change (SIFT: "Deleterious"; PolyPhen-2: "Possibly Damaging"; Align-GVGD: "Class C0"). In summary, the available evidence is currently insufficient to determine the role of this variant in disease. Therefore, it has been classified as a Variant of Uncertain Significance.